The following is an entry in ClinVar:

NM_001048174.2(MUTYH):c.1027A>T (p.Ser343Cys)

Gene: MUTYH (mutY DNA glycosylase; minus strand). Cytogenetic location: 1p34.1.
Variant type: single nucleotide variant.
Coding change: c.1027A>T on transcript NM_001048174.2 (MANE Select); coding-DNA position 1027, A replaced by T.
Protein change: p.Ser343Cys; replaces serine 343 with cysteine.
Molecular consequence: missense variant. On other transcripts: non-coding transcript variant (7).
Genome position (GRCh38, 1-based): chr1:45,331,736, T>A on the plus strand (A>T on the coding strand, the complement: MUTYH is on the minus strand). VCF-style: chr1-45331736-T-A. GRCh37 (hg19) VCF-style: chr1-45797408-T-A.
Other names: c.1027A>T, p.Ser343Cys (NM_001048171.2, NM_001048173.2, NM_001293195.2 and 6 more transcripts); c.1030A>T, p.Ser344Cys (NM_001048172.2, NM_001407071.1, NM_001407078.1 and 1 more transcripts); c.1111A>T, p.Ser371Cys (NM_001128425.2); c.1072A>T, p.Ser358Cys (NM_001293190.2); c.1060A>T, p.Ser354Cys (NM_001293191.2, NM_001407069.1, NM_001407077.1); c.751A>T, p.Ser251Cys (NM_001293192.2, NM_001293196.2, NM_001407091.1); c.682A>T, p.Ser228Cys (NM_001350650.2, NM_001350651.2, NM_001407082.1); c.943A>T, p.Ser315Cys (NM_001407075.1); and 5 more; short protein forms S251C, S329C, S350C, S368C, S330C, S344C, S357C, S343C.
Identifiers: ClinVar variation 4113028 (VCV004113028.2).

ClinVar aggregate classification (germline): Conflicting classifications of pathogenicity. Review status: criteria provided, conflicting classifications (1 of 4 stars). 2 submissions from 2 submitters: Uncertain significance (1); Likely benign (1). Last evaluated 2025-08-27.

Conditions:
Familial adenomatous polyposis 2. Also called: COLORECTAL ADENOMATOUS POLYPOSIS, AUTOSOMAL RECESSIVE; ADENOMAS, MULTIPLE COLORECTAL, AUTOSOMAL RECESSIVE; MYH-associated polyposis; MUTYH-associated polyposis; MUTYH-related attenuated familial adenomatous polyposis; FAP type 2. Identifiers: Orphanet 220460, Orphanet 247798, MedGen C3272841, MONDO:0012041, OMIM 608456.
Hereditary cancer-predisposing syndrome. Also called: Tumor predisposition; Neoplastic Syndromes, Hereditary; Hereditary Cancer Syndrome; Hereditary neoplastic syndrome. Identifiers: Orphanet 140162, MedGen C0027672, MeSH D009386, MONDO:0015356.

Submissions (2):

Ambry Genetics
Classification: Likely benign for Hereditary cancer-predisposing syndrome. Last evaluated: 2025-08-27. Review status: criteria provided, single submitter. Criteria: Ambry Variant Classification Scheme 2023. Collection method: clinical testing. Allele origin: germline.

Labcorp Genetics (formerly Invitae), Labcorp
Classification: Uncertain significance for Familial adenomatous polyposis 2. Last evaluated: 2025-07-18. Review status: criteria provided, single submitter. Criteria: Invitae Variant Classification Sherloc (09022015). Collection method: clinical testing. Allele origin: germline.
Comment: This sequence change replaces serine, which is neutral and polar, with cysteine, which is neutral and slightly polar, at codon 371 of the MUTYH protein (p.Ser371Cys). This variant is not present in population databases (gnomAD no frequency). This variant has not been reported in the literature in individuals affected with MUTYH-related conditions. An algorithm developed to predict the effect of missense changes on protein structure and function outputs the following: PolyPhen-2: "Benign". The cysteine amino acid residue is found in multiple mammalian species, which suggests that this missense change does not adversely affect protein function. In summary, the available evidence is currently insufficient to determine the role of this variant in disease. Therefore, it has been classified as a Variant of Uncertain Significance.